The following is an entry in ClinVar:

ClinVar aggregate classification (germline): Conflicting classifications of pathogenicity. Review status: criteria provided, conflicting classifications (1 of 4 stars). 4 submissions from 4 submitters: Uncertain significance (2); Benign (1); Likely benign (1). Last evaluated 2024-12-09.

Conditions:
Hypogonadotropic hypogonadism 11 with or without anosmia (HH11). Also called: TACR3-Related GnRH Deficiency; HYPOGONADOTROPIC HYPOGONADISM 11 WITHOUT ANOSMIA. Identifiers: Orphanet 478, MedGen C3553844, MONDO:0013913, OMIM 614840.

Allele frequency attached by ClinVar (database versions not stated): gnomAD 0.00023 and 0.00024; gnomAD exomes 0.00024 and 0.00033; TOPMed 0.00027; ExAC 0.00031; ESP Exome Variant Server 0.00015.
gnomAD v4.1: 391 of 1,613,850 alleles (0.024%); highest among the groups gnomAD compares: East Asian, 0.027%; 1 homozygote.

Submissions (4):

Labcorp Genetics (formerly Invitae), Labcorp
Classification: Benign. Last evaluated: 2024-12-09. Review status: criteria provided, single submitter. Criteria: Invitae Variant Classification Sherloc (09022015). Collection method: clinical testing. Allele origin: germline.

GeneDx
Classification: Uncertain significance. Last evaluated: 2023-08-31. Review status: criteria provided, single submitter. Criteria: GeneDx Variant Classification Process June 2021. Collection method: clinical testing. Allele origin: germline. Affected: yes.
Comment: Reported in a patient with Kallman syndrome in the published literature (PMID: 22035731); In silico analysis supports that this missense variant does not alter protein structure/function; This variant is associated with the following publications: (PMID: 22035731)

Athena Diagnostics
Classification: Likely benign. Last evaluated: 2018-02-09. Review status: criteria provided, single submitter. Criteria: Athena Diagnostics Criteria. Collection method: clinical testing. Allele origin: germline.

Illumina Laboratory Services, Illumina
Classification: Uncertain significance for Hypogonadotropic hypogonadism 11 with or without anosmia. Last evaluated: 2017-04-28. Review status: criteria provided, single submitter. Criteria: ICSL Variant Classification Criteria 13 December 2019. Collection method: clinical testing. Allele origin: germline.
Comment: This variant was observed as part of a predisposition screen in an ostensibly healthy population. A literature search was performed for the gene, cDNA change, and amino acid change (where applicable). Publications were found based on this search. However, the evidence from the literature, in combination with allele frequency data from public databases where available, was not sufficient to rule this variant in or out of causing disease. Therefore, this variant is classified as a variant of unknown significance.

Literature cited by the submitters: PubMed 22035731 (cited by Athena Diagnostics and Illumina Laboratory Services, Illumina).

NM_001059.3(TACR3):c.1321C>T (p.Arg441Cys)

Genes: TACR3-AS1 (TACR3 antisense RNA 1; plus strand), TACR3 (tachykinin receptor 3; minus strand). Cytogenetic location: 4q24.
Variant type: single nucleotide variant.
Coding change: c.1321C>T on transcript NM_001059.3 (MANE Select); coding-DNA position 1321, C replaced by T.
Protein change: p.Arg441Cys; replaces arginine 441 with cysteine.
Molecular consequence: missense variant.
Genome position (GRCh38, 1-based): chr4:103,589,759, G>A on the plus strand (C>T on the coding strand, the complement: TACR3 is on the minus strand). VCF-style: chr4-103589759-G-A. GRCh37 (hg19) VCF-style: chr4-104510916-G-A.
Other names: short protein forms R441C.
Identifiers: ClinVar variation 586774 (VCV000586774.17), dbSNP rs146482011, ClinGen allele CA3030903.
Genomic context (GRCh38, chr4:103,589,759, plus strand): 5'-CAGAGGTATAGGGTGAGCTTATGAAACTTGAAGTGGCGGAGGCAGATTTGGAATTCCTGC[G>A]AGAGCAGCCATTGAAACTTGGGTCTCTTGGCGTTGCTCTTTTCTTCCGACTGGACCTGGT-3'
Protein context (NP_001050.1, residues 431-451): PRDPSFNGCS[Arg441Cys]RNSKSASATS